The following is an entry in ClinVar:

ClinVar aggregate classification (germline): Uncertain significance (1 of 4 stars; one submission).

Allele frequency attached by ClinVar (database versions not stated): gnomAD exomes below 0.00001 and 0.00001; TOPMed below 0.00001; ExAC 0.00001; gnomAD 0.00001.
gnomAD v4.1: 16 of 1,613,976 alleles (0.00099%); highest among the groups gnomAD compares: Middle Eastern, 0.016%; no homozygotes.

Submission:

Labcorp Genetics (formerly Invitae), Labcorp
Classification: Uncertain significance. Last evaluated: 2022-07-07. Review status: criteria provided, single submitter. Criteria: Invitae Variant Classification Sherloc (09022015). Collection method: clinical testing. Allele origin: germline.
Comment: This sequence change replaces arginine, which is basic and polar, with glycine, which is neutral and non-polar, at codon 591 of the NBAS protein (p.Arg591Gly). This variant is present in population databases (rs773791450, gnomAD 0.0009%). This variant has not been reported in the literature in individuals affected with NBAS-related conditions. ClinVar contains an entry for this variant (Variation ID: 1466840). Algorithms developed to predict the effect of missense changes on protein structure and function (SIFT, PolyPhen-2, Align-GVGD) all suggest that this variant is likely to be disruptive. In summary, the available evidence is currently insufficient to determine the role of this variant in disease. Therefore, it has been classified as a Variant of Uncertain Significance.

NM_015909.4(NBAS):c.1771A>G (p.Arg591Gly)

Gene: NBAS (NBAS subunit of NRZ tethering complex; minus strand). Cytogenetic location: 2p24.3.
Variant type: single nucleotide variant.
Coding change: c.1771A>G on transcript NM_015909.4 (MANE Select); coding-DNA position 1771, A replaced by G.
Protein change: p.Arg591Gly; replaces arginine 591 with glycine.
Molecular consequence: missense variant. On other transcripts: non-coding transcript variant (1).
Genome position (GRCh38, 1-based): chr2:15,468,488, T>C on the plus strand (A>G on the coding strand, the complement: NBAS is on the minus strand). VCF-style: chr2-15468488-T-C. GRCh37 (hg19) VCF-style: chr2-15608612-T-C.
Other names: short protein forms R591G.
Identifiers: ClinVar variation 1466840 (VCV001466840.5), dbSNP rs773791450, ClinGen allele CA1536554.